The following is an entry in ClinVar:

NM_018706.7(DHTKD1):c.797C>T (p.Thr266Ile)

Gene: DHTKD1 (dehydrogenase E1 and transketolase domain containing 1; plus strand). Cytogenetic location: 10p14.
Variant type: single nucleotide variant.
Coding change: c.797C>T on transcript NM_018706.7 (MANE Select); coding-DNA position 797, C replaced by T.
Protein change: p.Thr266Ile; replaces threonine 266 with isoleucine.
Molecular consequence: missense variant.
Genome position (GRCh38, 1-based): chr10:12,089,065, C>T. VCF-style: chr10-12089065-C-T. GRCh37 (hg19) VCF-style: chr10-12131064-C-T.
Other names: short protein forms T266I.
Identifiers: ClinVar variation 4536837 (VCV004536837.1).

ClinVar aggregate classification (germline): Uncertain significance (1 of 4 stars; one submission).

gnomAD v4.1: 4 of 1,614,088 alleles (0.00025%); highest among the groups gnomAD compares: Non-Finnish European, 0.00034%; no homozygotes.

Submission:

Women's Health and Genetics/Laboratory Corporation of America, LabCorp
Classification: Uncertain significance. Last evaluated: 2025-11-11. Review status: criteria provided, single submitter. Criteria: LabCorp Variant Classification Summary - May 2015. Collection method: clinical testing. Allele origin: germline.
Comment: Variant summary: DHTKD1 c.797C>T (p.Thr266Ile) results in a non-conservative amino acid change in the encoded protein sequence. Algorithms developed to predict the effect of missense changes on protein structure and function all suggest that this variant is likely to be disruptive. The variant was absent in 251476 control chromosomes. The available data on variant occurrences in the general population are insufficient to allow any conclusion about variant significance. To our knowledge, no occurrence of c.797C>T in individuals affected with DHTKD1-related conditions and no experimental evidence demonstrating its impact on protein function have been reported. No submitters have cited clinical-significance assessments for this variant to ClinVar. Based on the evidence outlined above, the variant was classified as uncertain significance.